The following is an entry in ClinVar:

NM_004612.4(TGFBR1):c.961G>T (p.Val321Phe)

Gene: TGFBR1 (transforming growth factor beta receptor 1; plus strand). Cytogenetic location: 9q22.33.
Variant type: single nucleotide variant.
Coding change: c.961G>T on transcript NM_004612.4 (MANE Select); coding-DNA position 961, G replaced by T.
Protein change: p.Val321Phe; replaces valine 321 with phenylalanine.
Molecular consequence: missense variant.
Genome position (GRCh38, 1-based): chr9:99,142,691, G>T. VCF-style: chr9-99142691-G-T. GRCh37 (hg19) VCF-style: chr9-101904973-G-T.
Other names: c.730G>T, p.Val244Phe (NM_001130916.3); c.973G>T, p.Val325Phe (NM_001306210.2); short protein forms V321F, V325F, V244F.
Identifiers: ClinVar variation 1393030 (VCV001393030.10), dbSNP rs1827655038, ClinGen allele CA374230821.

ClinVar aggregate classification (germline): Uncertain significance. Review status: criteria provided, multiple submitters, no conflicts (2 of 4 stars). 3 submissions from 3 submitters: Uncertain significance (3). Last evaluated 2025-06-17.

Conditions:
Loeys-Dietz syndrome (LDS). Identifiers: Orphanet 60030, MedGen C2697932, MONDO:0018954.
Familial thoracic aortic aneurysm and aortic dissection (TAAD). Also called: Thoracic aortic aneurysms and dissections. Identifiers: Orphanet 91387, MedGen C4707243, MONDO:0019625.

Allele frequency attached by ClinVar (database versions not stated): gnomAD exomes below 0.00001; TOPMed below 0.00001; gnomAD 0.00001.
gnomAD v4.1: 5 of 1,613,938 alleles (0.00031%); highest among the groups gnomAD compares: African/African-American, 0.0013%; no homozygotes.

Submissions (3):

Labcorp Genetics (formerly Invitae), Labcorp
Classification: Uncertain significance for Familial thoracic aortic aneurysm and aortic dissection. Last evaluated: 2025-06-17. Review status: criteria provided, single submitter. Criteria: Invitae Variant Classification Sherloc (09022015). Collection method: clinical testing. Allele origin: germline.
Comment: This sequence change replaces valine, which is neutral and non-polar, with phenylalanine, which is neutral and non-polar, at codon 321 of the TGFBR1 protein (p.Val321Phe). This variant is not present in population databases (gnomAD no frequency). This missense change has been observed in individual(s) with clinical features of connective tissue disorder (PMID: 31279624). ClinVar contains an entry for this variant (Variation ID: 1393030). Invitae Evidence Modeling of protein sequence and biophysical properties (such as structural, functional, and spatial information, amino acid conservation, physicochemical variation, residue mobility, and thermodynamic stability) indicates that this missense variant is not expected to disrupt TGFBR1 protein function with a negative predictive value of 80%. In summary, the available evidence is currently insufficient to determine the role of this variant in disease. Therefore, it has been classified as a Variant of Uncertain Significance.

All of Us Research Program, National Institutes of Health
Classification: Uncertain significance for Loeys-Dietz syndrome. Last evaluated: 2023-12-18. Review status: criteria provided, single submitter. Criteria: ACMG Guidelines, 2015. Collection method: clinical testing. Allele origin: germline. Inheritance: Autosomal dominant inheritance. Observed: 1 variant allele, 1 heterozygote.
Comment: This missense variant replaces valine with phenylalanine at codon 321 of the TGFBR1 protein. Computational prediction is uncertain regarding the impact of this variant on protein structure and function. To our knowledge, functional studies have not been reported for this variant. This variant has been reported in one individual suspected of having Marfan syndrome (PMID: 31279624). This variant has not been identified in the general population by the Genome Aggregation Database (gnomAD). The available evidence is insufficient to determine the role of this variant in disease conclusively. Therefore, this variant is classified as a Variant of Uncertain Significance.

This study involves interpretation of variants in research participants for the purpose of population health screening. Participant phenotype was not available at the time of variant classification. Additional details can be found in publication PMID: 35346344, PMCID: PMC8962531

Color Diagnostics, LLC DBA Color Health
Classification: Uncertain significance for Familial thoracic aortic aneurysm and aortic dissection. Last evaluated: 2023-11-27. Review status: criteria provided, single submitter. Criteria: ACMG Guidelines, 2015. Collection method: clinical testing. Allele origin: germline.
Comment: This missense variant replaces valine with phenylalanine at codon 321 of the TGFBR1 protein. Computational prediction is uncertain regarding the impact of this variant on protein structure and function. To our knowledge, functional studies have not been reported for this variant. This variant has been reported in one individual suspected of having Marfan syndrome (PMID: 31279624). This variant has not been identified in the general population by the Genome Aggregation Database (gnomAD). The available evidence is insufficient to determine the role of this variant in disease conclusively. Therefore, this variant is classified as a Variant of Uncertain Significance.

Literature cited by the submitters: PubMed 31279624 (cited by 3 submitters).